The following is an entry in ClinVar:

NM_001368894.2(PAX6):c.1075-2A>G

Gene: PAX6 (paired box 6; minus strand). Cytogenetic location: 11p13.
Variant type: single nucleotide variant.
Coding change: c.1075-2A>G on transcript NM_001368894.2 (MANE Select); the canonical splice acceptor site of the intron before coding-DNA position 1075, A replaced by G.
Molecular consequence: splice acceptor variant. On other transcripts: intron variant (9).
Genome position (GRCh38, 1-based): chr11:31,790,862, T>C on the plus strand (A>G on the coding strand, the complement: PAX6 is on the minus strand). VCF-style: chr11-31790862-T-C. GRCh37 (hg19) VCF-style: chr11-31812410-T-C.
Other names: IVS11AS, A-G, -2; c.1033-2A>G (NM_001127612.3, NM_001368890.2, NM_001368888.2 and 6 more transcripts); c.874-843A>G (NM_001368921.2); c.874-2A>G (NM_001368923.2, NM_001368926.2, NM_001368927.2 and 3 more transcripts); c.1075-2A>G (NM_001258462.3, NM_001310158.2, NM_001258463.2 and 3 more transcripts); c.1150-2A>G (NM_001368919.2, NM_001368918.2); c.1033-843A>G (NM_001368915.2, NM_001368917.2, NM_001368916.2); c.1075-843A>G (NM_001368914.2, NM_001368912.2, NM_001368913.2); and 7 more.
Identifiers: ClinVar variation 3468 (VCV000003468.7), dbSNP rs794726661, ClinGen allele CA252797.

ClinVar aggregate classification (germline): Pathogenic. Review status: criteria provided, multiple submitters, no conflicts (2 of 4 stars). 3 submissions from 3 submitters: Pathogenic (2). 1 of the submissions does not count toward it. Last evaluated 2021-08-27.

Conditions:
Irido-corneo-trabecular dysgenesis (ASGD5). Also called: ANTERIOR SEGMENT DYSGENESIS 5. Identifiers: Orphanet 708, MedGen C0344559, MONDO:0011414, OMIM 604229, HP:0000659.
Aniridia 1 (AN1). Identifiers: Orphanet 250923, MedGen C0344542, MONDO:0024507, OMIM 106210.

Submissions (3):

Labcorp Genetics (formerly Invitae), Labcorp
Classification: Pathogenic for Aniridia 1; Irido-corneo-trabecular dysgenesis. Last evaluated: 2021-08-27. Review status: criteria provided, single submitter. Criteria: Invitae Variant Classification Sherloc (09022015). Collection method: clinical testing. Allele origin: germline.

GeneDx
Classification: Pathogenic. Last evaluated: 2016-12-09. Review status: criteria provided, single submitter. Criteria: GeneDx Variant Classification (06012015). Collection method: clinical testing. Allele origin: germline. Affected: yes.
Comment: The c.1033-2 A>G splice site variant in the PAX6 gene destroys the canonical splice acceptor site in intron 11. It is predicted to cause abnormal gene splicing, either leading to an abnormal message that is subject to nonsense-mediated mRNA decay, or to an abnormal protein product if the message is used for protein translation. Although this variant has not been previously reported to our knowledge, we interpret it as pathogenic.

OMIM
Classification: Pathogenic for ANIRIDIA. Last evaluated: 1995-01-01. Review status: no assertion criteria provided. Collection method: literature only. Allele origin: germline. Not counted in ClinVar's aggregate classification.

Literature cited by the submitters: PubMed 7550230 (cited by OMIM).